The following is an entry in ClinVar:

NM_000743.5(CHRNA3):c.1351_1353del (p.Ile451del)

Gene: CHRNA3 (cholinergic receptor nicotinic alpha 3 subunit; minus strand). Cytogenetic location: 15q25.1.
Variant type: Deletion.
Coding change: c.1351_1353del on transcript NM_000743.5 (MANE Select); coding-DNA positions 1351 to 1353, 3 bases deleted (ATT; older notation c.1351_1353delATT).
Protein change: p.Ile451del; deletes isoleucine 451.
Molecular consequence: inframe deletion. On other transcripts: non-coding transcript variant (1).
Genome position (GRCh38, 1-based): chr15:78,601,289-78,601,291, AAT deleted on the plus strand (ATT on the coding strand, the reverse complement: CHRNA3 is on the minus strand); deleting any 3 consecutive bases within chr15:78,601,289-78,601,292 gives the same sequence; the c. name uses the placement nearest the transcript's 3' end. VCF-style (leftmost placement, unchanged base first): chr15-78601288-CAAT-C. GRCh37 (hg19) VCF-style: chr15-78893630-CAAT-C.
Other names: c.1351_1353del, p.Ile451del (NM_001166694.2); short protein forms I451del.
Identifiers: ClinVar variation 2183741 (VCV002183741.4), dbSNP rs1567075417, ClinGen allele CA919597232.

ClinVar aggregate classification (germline): Uncertain significance (1 of 4 stars; one submission).

Submission:

Labcorp Genetics (formerly Invitae), Labcorp
Classification: Uncertain significance. Last evaluated: 2024-04-11. Review status: criteria provided, single submitter. Criteria: Invitae Variant Classification Sherloc (09022015). Collection method: clinical testing. Allele origin: germline.
Comment: This variant, c.1351_1353del, results in the deletion of 1 amino acid(s) of the CHRNA3 protein (p.Ile451del), but otherwise preserves the integrity of the reading frame. This variant is not present in population databases (gnomAD no frequency). This variant has not been reported in the literature in individuals affected with CHRNA3-related conditions. ClinVar contains an entry for this variant (Variation ID: 2183741). Experimental studies and prediction algorithms are not available or were not evaluated, and the functional significance of this variant is currently unknown. In summary, the available evidence is currently insufficient to determine the role of this variant in disease. Therefore, it has been classified as a Variant of Uncertain Significance.